The following is an entry in ClinVar:

ClinVar aggregate classification (germline): Uncertain significance (1 of 4 stars; one submission).

Conditions:
Inborn genetic diseases. Identifiers: MedGen C0950123, MeSH D030342.

Submission:

Ambry Genetics
Classification: Uncertain significance for Inborn genetic diseases. Last evaluated: 2026-07-06. Review status: criteria provided, single submitter. Criteria: Ambry Variant Classification Scheme 2023. Collection method: clinical testing. Allele origin: germline.
Comment: The p.L350W variant (also known as c.1049T>G), located in coding exon 1 of the CEBPA gene, results from a T to G substitution at nucleotide position 1049. The leucine at codon 350 is replaced by tryptophan, an amino acid with similar properties. This amino acid position is conserved. In addition, this alteration is predicted to be tolerated by in silico analysis. Based on the available evidence, the clinical significance of this variant remains unclear.

NM_004364.5(CEBPA):c.1049T>G (p.Leu350Trp)

Gene: CEBPA (CCAAT enhancer binding protein alpha; minus strand). Cytogenetic location: 19q13.11.
Variant type: single nucleotide variant.
Coding change: c.1049T>G on transcript NM_004364.5 (MANE Select); coding-DNA position 1049, T replaced by G.
Protein change: p.Leu350Trp; replaces leucine 350 with tryptophan.
Molecular consequence: missense variant.
Genome position (GRCh38, 1-based): chr19:33,301,366, A>C on the plus strand (T>G on the coding strand, the complement: CEBPA is on the minus strand). VCF-style: chr19-33301366-A-C. GRCh37 (hg19) VCF-style: chr19-33792272-A-C.
Other names: c.692T>G, p.Leu231Trp (NM_001285829.2); c.1154T>G, p.Leu385Trp (NM_001287424.2); c.1007T>G, p.Leu336Trp (NM_001287435.2); short protein forms L385W, L231W, L350W, L336W.
Identifiers: ClinVar variation 5034281 (VCV005034281.1).
Genomic context (GRCh38, chr19:33,301,366, plus strand): 5'-GCTGGCCCAGGGCGGTCCCACAGCCGCGCGCCTCACGCGCAGTTGCCCATGGCCTTGACC[A>C]AGGAGCTCTCTGGCAGCTGGCGGAAGATGCCCCGCAGCGTGTCCAGTTCGCGGCTCAGCT-3'
Protein context (NP_004355.2, residues 340-358): GIFRQLPESS[Leu350Trp]VKAMGNCA